The following is an entry in ClinVar:

ClinVar aggregate classification (germline): Likely pathogenic (1 of 4 stars; one submission).

Conditions:
Arrhythmogenic right ventricular dysplasia 8 (ARVD8). Also called: Arrhythmogenic Right Ventricular Dysplasia/Cardiomyopathy 8; ARRHYTHMOGENIC RIGHT VENTRICULAR DYSPLASIA, FAMILIAL, 8; ARRHYTHMOGENIC RIGHT VENTRICULAR CARDIOMYOPATHY 8. Identifiers: MedGen C1843896, MONDO:0011831, OMIM 607450.
Arrhythmogenic cardiomyopathy with wooly hair and keratoderma. Also called: Carvajal syndrome; PALMOPLANTAR KERATODERMA WITH LEFT VENTRICULAR CARDIOMYOPATHY AND WOOLLY HAIR; Dilated cardiomyopathy with woolly hair and keratoderma; Arrhythmogenic cardiomyopathy with woolly hair and keratoderma. Identifiers: Orphanet 65282, MedGen C1854063, MONDO:0011581, OMIM 605676.

Submission:

Labcorp Genetics (formerly Invitae), Labcorp
Classification: Likely pathogenic for Arrhythmogenic cardiomyopathy with wooly hair and keratoderma; Arrhythmogenic right ventricular dysplasia 8. Last evaluated: 2022-03-01. Review status: criteria provided, single submitter. Criteria: Invitae Variant Classification Sherloc (09022015). Collection method: clinical testing. Allele origin: germline.
Comment: In summary, the currently available evidence indicates that the variant is pathogenic, but additional data are needed to prove that conclusively. Therefore, this variant has been classified as Likely Pathogenic. This variant has not been reported in the literature in individuals affected with DSP-related conditions. This variant results in the deletion of exons 19-22 and part of exon 23 (c.2631-304_4635del) of the DSP gene. It is expected to disrupt RNA splicing. Variants that disrupt the donor or acceptor splice site typically lead to a loss of protein function (PMID: 16199547), and loss-of-function variants in DSP are known to be pathogenic (PMID: 20716751, 24503780, 25227139).

Literature cited by the submitters: PubMed 16199547; PubMed 20716751; PubMed 24503780; PubMed 25227139.

NC_000006.11:g.(?_7576220)_(7581055_?)del

Gene: DSP (desmoplakin; plus strand). Cytogenetic location: 6p24.3.
Variant type: Deletion.
Identifiers: ClinVar variation 2425107 (VCV002425107.7).